The following is an entry in ClinVar:

ClinVar aggregate classification (germline): Uncertain significance (1 of 4 stars; one submission).

Submission:

CeGaT Center for Human Genetics Tuebingen
Classification: Uncertain significance. Last evaluated: 2022-07-01. Review status: criteria provided, single submitter. Criteria: CeGaT Center For Human Genetics Tuebingen Variant Classification Criteria Version 2. Collection method: clinical testing. Allele origin: germline. Affected: yes. Observed: 1 variant allele.
Comment: MAP1B: PM2

NM_005909.5(MAP1B):c.3313A>C (p.Asn1105His)

Gene: MAP1B (microtubule associated protein 1B; plus strand). Cytogenetic location: 5q13.2.
Variant type: single nucleotide variant.
Coding change: c.3313A>C on transcript NM_005909.5 (MANE Select); coding-DNA position 3313, A replaced by C.
Protein change: p.Asn1105His; replaces asparagine 1105 with histidine.
Molecular consequence: missense variant.
Genome position (GRCh38, 1-based): chr5:72,196,668, A>C. VCF-style: chr5-72196668-A-C. GRCh37 (hg19) VCF-style: chr5-71492495-A-C.
Other names: c.2935A>C, p.Asn979His (NM_001324255.2); short protein forms N1105H, N979H.
Identifiers: ClinVar variation 2655516 (VCV002655516.24), dbSNP rs144141123, ClinGen allele CA360010902.
Genomic context (GRCh38, chr5:72,196,668, plus strand): 5'-ATTCATGATGAGACTTTACCTGGAGGCTCAGAGAGCGAGGCCACCGCTTCTGATGAGGAG[A>C]ATCGAGAAGACCAGCCTGAGGAATTCACTGCCACCTCTGGCTACACTCAGTCTACTATTG-3'
Protein context (NP_005900.2, residues 1095-1115): ESEATASDEE[Asn1105His]REDQPEEFTA